The following is an entry in ClinVar:

ClinVar aggregate classification (germline): Uncertain significance. Review status: criteria provided, multiple submitters, no conflicts (2 of 4 stars). 2 submissions from 2 submitters: Uncertain significance (2). Last evaluated 2021-09-01.

Allele frequency attached by ClinVar (database versions not stated): gnomAD 0.00002; ExAC 0.00003; TOPMed 0.00003; gnomAD exomes 0.00004 and 0.00005.
gnomAD v4.1: 75 of 1,613,664 alleles (0.0046%); highest among the groups gnomAD compares: Admixed American, 0.0067%; no homozygotes.

Submissions (2):

Labcorp Genetics (formerly Invitae), Labcorp
Classification: Uncertain significance. Last evaluated: 2021-09-01. Review status: criteria provided, single submitter. Criteria: Invitae Variant Classification Sherloc (09022015). Collection method: clinical testing. Allele origin: germline.
Comment: This sequence change replaces arginine with cysteine at codon 1448 of the OTOF protein (p.Arg1448Cys). The arginine residue is highly conserved and there is a large physicochemical difference between arginine and cysteine. This variant is present in population databases (rs727503355, ExAC 0.02%). This variant has not been reported in the literature in individuals affected with OTOF-related conditions. ClinVar contains an entry for this variant (Variation ID: 164845). Algorithms developed to predict the effect of missense changes on protein structure and function (SIFT, PolyPhen-2, Align-GVGD) all suggest that this variant is likely to be disruptive. In summary, the available evidence is currently insufficient to determine the role of this variant in disease. Therefore, it has been classified as a Variant of Uncertain Significance.

Laboratory for Molecular Medicine, Mass General Brigham Personalized Medicine
Classification: Uncertain significance. Last evaluated: 2013-05-09. Review status: criteria provided, single submitter. Criteria: LMM Criteria. Collection method: clinical testing. Allele origin: germline. Observed: 1 variant allele.
Comment: The Arg1448Cys variant in OTOF has not been reported in individuals affected wit h hearing loss or in large population databases. Computational analyses (biochem ical amino acid properties, conservation, AlignGVGD, PolyPhen2, and SIFT) sugges t that the Arg1448Cys variant may impact the protein, though this information is not predictive enough to determine pathogenicity. In summary, additional data i s needed to determine the clinical significance of this variant.

NM_194248.3(OTOF):c.4342C>T (p.Arg1448Cys)

Gene: OTOF (otoferlin; minus strand). Cytogenetic location: 2p23.3.
Variant type: single nucleotide variant.
Coding change: c.4342C>T on transcript NM_194248.3 (MANE Select); coding-DNA position 4342, C replaced by T.
Protein change: p.Arg1448Cys; replaces arginine 1448 with cysteine.
Molecular consequence: missense variant.
Genome position (GRCh38, 1-based): chr2:26,467,119, G>A on the plus strand (C>T on the coding strand, the complement: OTOF is on the minus strand). VCF-style: chr2-26467119-G-A. GRCh37 (hg19) VCF-style: chr2-26689987-G-A.
Other names: c.4342C>T, p.Arg1448Cys (NM_001287489.2); c.2041C>T, p.Arg681Cys (NM_004802.4, NM_194323.3); c.2272C>T, p.Arg758Cys (NM_194322.3); short protein forms R1448C, R758C, R681C.
Identifiers: ClinVar variation 164845 (VCV000164845.10), dbSNP rs727503355, ClinGen allele CA177545.